The following is an entry in ClinVar:

ClinVar aggregate classification (germline): Uncertain significance (1 of 4 stars; one submission).

Submission:

GeneDx
Classification: Uncertain significance. Last evaluated: 2024-09-23. Review status: criteria provided, single submitter. Criteria: GeneDx Variant Classification Process June 2021. Collection method: clinical testing. Allele origin: germline.
Comment: Not observed at significant frequency in large population cohorts (gnomAD); In silico analysis supports that this missense variant has a deleterious effect on protein structure/function; Has not been previously published as pathogenic or benign to our knowledge

NM_013436.5(NCKAP1):c.2299A>G (p.Asn767Asp)

Gene: NCKAP1 (NCK associated protein 1; minus strand). Cytogenetic location: 2q32.1.
Variant type: single nucleotide variant.
Coding change: c.2299A>G on transcript NM_013436.5 (MANE Select); coding-DNA position 2299, A replaced by G.
Protein change: p.Asn767Asp; replaces asparagine 767 with aspartic acid.
Molecular consequence: missense variant.
Genome position (GRCh38, 1-based): chr2:182,953,186, T>C on the plus strand (A>G on the coding strand, the complement: NCKAP1 is on the minus strand). VCF-style: chr2-182953186-T-C. GRCh37 (hg19) VCF-style: chr2-183817914-T-C.
Other names: c.2317A>G, p.Asn773Asp (NM_205842.3); short protein forms N767D, N773D.
Identifiers: ClinVar variation 1804579 (VCV001804579.2), dbSNP rs2468587659, ClinGen allele CA349757626.